The following is an entry in ClinVar:

NM_015046.7(SETX):c.7339A>C (p.Ile2447Leu)

Gene: SETX (senataxin; minus strand). Cytogenetic location: 9q34.13.
Variant type: single nucleotide variant.
Coding change: c.7339A>C on transcript NM_015046.7 (MANE Select); coding-DNA position 7339, A replaced by C.
Protein change: p.Ile2447Leu; replaces isoleucine 2447 with leucine.
Molecular consequence: missense variant.
Genome position (GRCh38, 1-based): chr9:132,264,934, T>G on the plus strand (A>C on the coding strand, the complement: SETX is on the minus strand). VCF-style: chr9-132264934-T-G. GRCh37 (hg19) VCF-style: chr9-135140321-T-G.
Other names: c.7339A>C, p.Ile2447Leu (NM_001351527.2); c.7426A>C, p.Ile2476Leu (NM_001351528.2); short protein forms I2476L, I2447L.
Identifiers: ClinVar variation 2070757 (VCV002070757.4), dbSNP rs757267061, ClinGen allele CA375325946.
Genomic context (GRCh38, chr9:132,264,934, plus strand): 5'-GCTTGAGTTTCAGAATCTTCACTGCATCATGTCTATAGTTTTTGTCACAGGTCTTAATAA[T>G]GGCACCACGCTTCTGAGCATCCTGAATCAGCTGATTCCAATGCTGGTTTTCCTTGAAACA-3'
Protein context (NP_055861.3, residues 2437-2457): LIQDAQKRGA[Ile2447Leu]IKTCDKNYRH

ClinVar aggregate classification (germline): Uncertain significance (1 of 4 stars; one submission).

Conditions:
Spinocerebellar ataxia, autosomal recessive, with axonal neuropathy 2 (SCAN2). Also called: Ataxia with Oculomotor Apraxia Type 2; ATAXIA-OCULOMOTOR APRAXIA 2; Ataxia with Oculomotor Apraxia; Ataxia-ocular apraxia-2. Identifiers: Orphanet 64753, MedGen C1853761, MONDO:0018996, OMIM 606002.
Amyotrophic lateral sclerosis type 4 (ALS4). Also called: AMYOTROPHIC LATERAL SCLEROSIS 4, JUVENILE; NEURONOPATHY, DISTAL HEREDITARY MOTOR, WITH PYRAMIDAL FEATURES. Identifiers: Orphanet 357043, MedGen C1865409, MONDO:0011223, OMIM 602433.

gnomAD v4.1: 1 of 1,614,188 alleles (0.000062%); no homozygotes.

Submission:

Labcorp Genetics (formerly Invitae), Labcorp
Classification: Uncertain significance for Amyotrophic lateral sclerosis type 4; Spinocerebellar ataxia, autosomal recessive, with axonal neuropathy 2. Last evaluated: 2025-04-11. Review status: criteria provided, single submitter. Criteria: Invitae Variant Classification Sherloc (09022015). Collection method: clinical testing. Allele origin: germline.
Comment: This sequence change replaces isoleucine, which is neutral and non-polar, with leucine, which is neutral and non-polar, at codon 2447 of the SETX protein (p.Ile2447Leu). This variant is not present in population databases (gnomAD no frequency). This variant has not been reported in the literature in individuals affected with SETX-related conditions. ClinVar contains an entry for this variant (Variation ID: 2070757). Invitae Evidence Modeling of protein sequence and biophysical properties (such as structural, functional, and spatial information, amino acid conservation, physicochemical variation, residue mobility, and thermodynamic stability) indicates that this missense variant is not expected to disrupt SETX protein function with a negative predictive value of 95%. In summary, the available evidence is currently insufficient to determine the role of this variant in disease. Therefore, it has been classified as a Variant of Uncertain Significance.